The following is an entry in ClinVar:

NM_024589.3(ROGDI):c.416G>A (p.Gly139Asp)

Gene: ROGDI (rogdi atypical leucine zipper; minus strand). Cytogenetic location: 16p13.3.
Variant type: single nucleotide variant.
Coding change: c.416G>A on transcript NM_024589.3 (MANE Select); coding-DNA position 416, G replaced by A.
Protein change: p.Gly139Asp; replaces glycine 139 with aspartic acid.
Molecular consequence: missense variant. On other transcripts: non-coding transcript variant (1).
Genome position (GRCh38, 1-based): chr16:4,799,702, C>T on the plus strand (G>A on the coding strand, the complement: ROGDI is on the minus strand). VCF-style: chr16-4799702-C-T. GRCh37 (hg19) VCF-style: chr16-4849703-C-T.
Other names: short protein forms G139D.
Identifiers: ClinVar variation 1469656 (VCV001469656.8), dbSNP rs1567600743, ClinGen allele CA394653217.

ClinVar aggregate classification (germline): Uncertain significance (1 of 4 stars; one submission).

Conditions:
Amelocerebrohypohidrotic syndrome (KTZS). Also called: Kohlschutter's syndrome; EPILEPSY AND YELLOW TEETH; EPILEPSY, DEMENTIA, AND AMELOGENESIS IMPERFECTA; KOHLSCHUTTER SYNDROME. Identifiers: Orphanet 1946, MedGen C0406740, MONDO:0009185, OMIM 226750.

gnomAD v4.1: 9 of 1,613,360 alleles (0.00056%); highest among the groups gnomAD compares: Non-Finnish European, 0.00076%; no homozygotes.

Submission:

Labcorp Genetics (formerly Invitae), Labcorp
Classification: Uncertain significance for Amelocerebrohypohidrotic syndrome. Last evaluated: 2021-03-24. Review status: criteria provided, single submitter. Criteria: Invitae Variant Classification Sherloc (09022015). Collection method: clinical testing. Allele origin: germline.
Comment: In summary, the available evidence is currently insufficient to determine the role of this variant in disease. Therefore, it has been classified as a Variant of Uncertain Significance. Algorithms developed to predict the effect of missense changes on protein structure and function are either unavailable or do not agree on the potential impact of this missense change (SIFT: "Deleterious"; PolyPhen-2: "Probably Damaging"; Align-GVGD: "Class C15"). This variant has not been reported in the literature in individuals with ROGDI-related conditions. This variant is not present in population databases (ExAC no frequency). This sequence change replaces glycine with aspartic acid at codon 139 of the ROGDI protein (p.Gly139Asp). The glycine residue is highly conserved and there is a moderate physicochemical difference between glycine and aspartic acid.